The following is an entry in ClinVar:

NM_001323289.2(CDKL5):c.2236G>A (p.Gly746Arg)

Gene: CDKL5 (cyclin dependent kinase like 5; plus strand). Cytogenetic location: Xp22.13.
Variant type: single nucleotide variant.
Coding change: c.2236G>A on transcript NM_001323289.2 (MANE Select); coding-DNA position 2236, G replaced by A.
Protein change: p.Gly746Arg; replaces glycine 746 with arginine.
Molecular consequence: missense variant.
Genome position (GRCh38, 1-based): chrX:18,613,235, G>A. VCF-style: chrX-18613235-G-A. GRCh37 (hg19) VCF-style: chrX-18631355-G-A.
Other names: c.2236G>A, p.Gly746Arg (NM_001037343.2, NM_003159.3); short protein forms G746R.
Identifiers: ClinVar variation 1013832 (VCV001013832.10), dbSNP rs1926619731, ClinGen allele CA412368355.
Genomic context (GRCh38, chrX:18,613,235, plus strand): 5'-TCTTTCCATGAAAATAATGTGTCAACTAGAGTTTCTTCTCTACCATCAGAGAGCAGTTCT[G>A]GAACCAACCACTCAAAAAGACAACCAGCATTCGATCCATGGTGAGCATTTTGGTTTGTTT-3'
Protein context (NP_001310218.1, residues 736-756): VSSLPSESSS[Gly746Arg]TNHSKRQPAF

ClinVar aggregate classification (germline): Uncertain significance. Review status: criteria provided, multiple submitters, no conflicts (2 of 4 stars). 2 submissions from 2 submitters: Uncertain significance (2). Last evaluated 2022-08-08.

Conditions:
Angelman syndrome-like. Identifiers: MedGen CN128785.
Developmental and epileptic encephalopathy, 2 (DEE2). Also called: INFANTILE SPASM SYNDROME, X-LINKED 2; CDKL5 deficiency disorder. Identifiers: Orphanet 1934, Orphanet 3451, Orphanet 505652, MedGen C4750718, MONDO:0010396, OMIM 300672.

Allele frequency attached by ClinVar (database versions not stated): gnomAD exomes below 0.00001; TOPMed 0.00001.
gnomAD v4.1: 2 of 1,204,148 alleles (0.00017%); highest among the groups gnomAD compares: Non-Finnish European, 0.00022%; no homozygotes.

Submissions (2):

Labcorp Genetics (formerly Invitae), Labcorp
Classification: Uncertain significance for Developmental and epileptic encephalopathy, 2; Angelman syndrome-like. Last evaluated: 2022-08-08. Review status: criteria provided, single submitter. Criteria: Invitae Variant Classification Sherloc (09022015). Collection method: clinical testing. Allele origin: germline.
Comment: Advanced modeling of protein sequence and biophysical properties (such as structural, functional, and spatial information, amino acid conservation, physicochemical variation, residue mobility, and thermodynamic stability) performed at Invitae indicates that this missense variant is not expected to disrupt CDKL5 protein function. ClinVar contains an entry for this variant (Variation ID: 1013832). This variant has not been reported in the literature in individuals affected with CDKL5-related conditions. This variant is not present in population databases (gnomAD no frequency). This sequence change replaces glycine, which is neutral and non-polar, with arginine, which is basic and polar, at codon 746 of the CDKL5 protein (p.Gly746Arg). In summary, the available evidence is currently insufficient to determine the role of this variant in disease. Therefore, it has been classified as a Variant of Uncertain Significance.

GeneDx
Classification: Uncertain significance. Last evaluated: 2022-03-07. Review status: criteria provided, single submitter. Criteria: GeneDx Variant Classification Process June 2021. Collection method: clinical testing. Allele origin: germline. Affected: yes.
Comment: Not observed in large population cohorts (gnomAD); In silico analysis supports that this missense variant does not alter protein structure/function; Has not been previously published as pathogenic or benign to our knowledge